The following is an entry in ClinVar:

NM_014314.4(RIGI):c.1259C>T (p.Thr420Ile)

Gene: RIGI (RNA sensor RIG-I; minus strand). Cytogenetic location: 9p21.1.
Variant type: single nucleotide variant.
Coding change: c.1259C>T on transcript NM_014314.4 (MANE Select); coding-DNA position 1259, C replaced by T.
Protein change: p.Thr420Ile; replaces threonine 420 with isoleucine.
Molecular consequence: missense variant.
Genome position (GRCh38, 1-based): chr9:32,487,587, G>A on the plus strand (C>T on the coding strand, the complement: RIGI is on the minus strand). VCF-style: chr9-32487587-G-A. GRCh37 (hg19) VCF-style: chr9-32487585-G-A.
Other names: c.1253C>T, p.Thr418Ile (NM_001385907.1); c.1259C>T, p.Thr420Ile (NM_001385909.1); c.818C>T, p.Thr273Ile (NM_001385910.1); c.650C>T, p.Thr217Ile (NM_001385912.1); c.1244C>T, p.Thr415Ile (NM_001385913.1); c.815C>T, p.Thr272Ile (NM_001385914.1); short protein forms T217I, T272I, T273I, T415I, T418I, T420I.
Identifiers: ClinVar variation 3354521 (VCV003354521.1).

ClinVar aggregate classification (germline): Uncertain significance (0 of 4 stars; one submission).

Conditions:
RIGI-related disorder. Also called: RIGI-related condition.

gnomAD v4.1: 3 of 1,614,052 alleles (0.00019%); highest among the groups gnomAD compares: African/African-American, 0.0013%; no homozygotes.

Submission:

PreventionGenetics, part of Exact Sciences
Classification: Uncertain significance for RIGI-related condition. Last evaluated: 2024-08-23. Review status: no assertion criteria provided. Collection method: clinical testing. Allele origin: germline.
Comment: The RIGI c.1259C>T variant is predicted to result in the amino acid substitution p.Thr420Ile. To our knowledge, this variant has not been reported in the literature or in a large population database, indicating this variant is rare. At this time, the clinical significance of this variant is uncertain due to the absence of conclusive functional and genetic evidence.